The following is an entry in ClinVar:

ClinVar aggregate classification (germline): Uncertain significance (1 of 4 stars; one submission).

gnomAD v4.1: 2 of 1,614,078 alleles (0.00012%); highest among the groups gnomAD compares: Non-Finnish European, 0.00017%; no homozygotes.

Submission:

Labcorp Genetics (formerly Invitae), Labcorp
Classification: Uncertain significance. Last evaluated: 2022-06-08. Review status: criteria provided, single submitter. Criteria: Invitae Variant Classification Sherloc (09022015). Collection method: clinical testing. Allele origin: germline.
Comment: In summary, the available evidence is currently insufficient to determine the role of this variant in disease. Therefore, it has been classified as a Variant of Uncertain Significance. Algorithms developed to predict the effect of missense changes on protein structure and function are either unavailable or do not agree on the potential impact of this missense change (SIFT: "Tolerated"; PolyPhen-2: "Probably Damaging"; Align-GVGD: "Class C0"). This variant has not been reported in the literature in individuals affected with RAI1-related conditions. This variant is not present in population databases (gnomAD no frequency). This sequence change replaces arginine, which is basic and polar, with proline, which is neutral and non-polar, at codon 1542 of the RAI1 protein (p.Arg1542Pro).

NM_030665.4(RAI1):c.4625G>C (p.Arg1542Pro)

Gene: RAI1 (retinoic acid induced 1; plus strand). Cytogenetic location: 17p11.2.
Variant type: single nucleotide variant.
Coding change: c.4625G>C on transcript NM_030665.4 (MANE Select); coding-DNA position 4625, G replaced by C.
Protein change: p.Arg1542Pro; replaces arginine 1542 with proline.
Molecular consequence: missense variant.
Genome position (GRCh38, 1-based): chr17:17,797,573, G>C. VCF-style: chr17-17797573-G-C. GRCh37 (hg19) VCF-style: chr17-17700887-G-C.
Other names: short protein forms R1542P.
Identifiers: ClinVar variation 1934789 (VCV001934789.5), dbSNP rs184604492, ClinGen allele CA398557167.